The following is an entry in ClinVar:

ClinVar aggregate classification (germline): Conflicting classifications of pathogenicity. Review status: criteria provided, conflicting classifications (1 of 4 stars). 4 submissions from 4 submitters: Uncertain significance (2); Benign (1). 1 of the submissions does not count toward it. Last evaluated 2025-08-20.

Conditions:
KMT2D-related disorder. Also called: KMT2D-Related Disorders.
Kabuki syndrome. Also called: NIIKAWA-KUROKI SYNDROME; Kabuki make-up syndrome. Identifiers: Orphanet 2322, MedGen C0796004, MONDO:0016512.
Kabuki syndrome 1 (KABUK1). Also called: KMT2D-Related Kabuki Syndrome. Identifiers: Orphanet 2322, MedGen CN030661, MONDO:0007843, OMIM 147920.

Allele frequency attached by ClinVar (database versions not stated): gnomAD exomes below 0.00001 and 0.00001; gnomAD 0.00001; TOPMed 0.00002.
gnomAD v4.1: 5 of 1,613,942 alleles (0.00031%); highest among the groups gnomAD compares: Admixed American, 0.0083%; no homozygotes.

Submissions (4):

PreventionGenetics, part of Exact Sciences
Classification: Uncertain significance for KMT2D-related condition. Last evaluated: 2025-08-20. Review status: criteria provided, single submitter. Criteria: ACMG Guidelines, 2015. Collection method: clinical testing. Allele origin: germline.
Comment: The KMT2D c.5207C>G variant is predicted to result in the amino acid substitution p.Pro1736Arg. To our knowledge, this variant has not been reported in the literature. This variant is reported in 0.0029% of alleles in individuals of Latino descent in gnomAD. At this time, the clinical significance of this variant is uncertain due to the absence of conclusive functional and genetic evidence.

Labcorp Genetics (formerly Invitae), Labcorp
Classification: Benign for Kabuki syndrome. Last evaluated: 2025-05-07. Review status: criteria provided, single submitter. Criteria: Invitae Variant Classification Sherloc (09022015). Collection method: clinical testing. Allele origin: germline.

New York Genome Center
Classification: Uncertain significance for Kabuki syndrome 1. Last evaluated: 2021-03-05. Review status: criteria provided, single submitter. Criteria: NYGC Assertion Criteria 2020. Collection method: clinical testing. Allele origin: inherited. Observed: 1 heterozygote. Study: CSER-NYCKidSeq.

ITMI
No classification provided. Condition: AllHighlyPenetrant. Last evaluated: 2013-09-19. Review status: no classification provided. Collection method: reference population. Allele origin: germline. Not counted in ClinVar's aggregate classification.
Comment: Please see associated publication for description of ethnicities

Literature cited by the submitters: PubMed 24728327 (cited by ITMI).

NM_003482.4(KMT2D):c.5207C>G (p.Pro1736Arg)

Gene: KMT2D (lysine methyltransferase 2D; minus strand). Cytogenetic location: 12q13.12.
Variant type: single nucleotide variant.
Coding change: c.5207C>G on transcript NM_003482.4 (MANE Select); coding-DNA position 5207, C replaced by G.
Protein change: p.Pro1736Arg; replaces proline 1736 with arginine.
Molecular consequence: missense variant.
Genome position (GRCh38, 1-based): chr12:49,043,980, G>C on the plus strand (C>G on the coding strand, the complement: KMT2D is on the minus strand). VCF-style: chr12-49043980-G-C. GRCh37 (hg19) VCF-style: chr12-49437763-G-C.
Other names: short protein forms P1736R.
Identifiers: ClinVar variation 134677 (VCV000134677.8), dbSNP rs587778458, ClinGen allele CA160519.